The following is an entry in ClinVar:

NM_003906.5(MCM3AP):c.667A>T (p.Thr223Ser)

Gene: MCM3AP (minichromosome maintenance complex component 3 associated protein; minus strand). Cytogenetic location: 21q22.3.
Variant type: single nucleotide variant.
Coding change: c.667A>T on transcript NM_003906.5 (MANE Select); coding-DNA position 667, A replaced by T.
Protein change: p.Thr223Ser; replaces threonine 223 with serine.
Molecular consequence: missense variant.
Genome position (GRCh38, 1-based): chr21:46,284,620, T>A on the plus strand (A>T on the coding strand, the complement: MCM3AP is on the minus strand). VCF-style: chr21-46284620-T-A. GRCh37 (hg19) VCF-style: chr21-47704534-T-A.
Other names: c.667A>T (NM_003906.3); short protein forms T223S.
Identifiers: ClinVar variation 2408403 (VCV002408403.6), dbSNP rs987312665, ClinGen allele CA321980395.

ClinVar aggregate classification (germline): Uncertain significance. Review status: criteria provided, multiple submitters, no conflicts (2 of 4 stars). 2 submissions from 2 submitters: Uncertain significance (2). Last evaluated 2024-10-01.

Conditions:
Inborn genetic diseases. Identifiers: MedGen C0950123, MeSH D030342.

Allele frequency attached by ClinVar (database versions not stated): gnomAD exomes below 0.00001; gnomAD 0.00010; TOPMed 0.00019.
gnomAD v4.1: 28 of 1,613,996 alleles (0.0017%); highest among the groups gnomAD compares: Admixed American, 0.035%; no homozygotes.

Submissions (2):

Ambry Genetics
Classification: Uncertain significance for Inborn genetic diseases. Last evaluated: 2024-10-01. Review status: criteria provided, single submitter. Criteria: Ambry Variant Classification Scheme 2023. Collection method: clinical testing. Allele origin: germline.

Labcorp Genetics (formerly Invitae), Labcorp
Classification: Uncertain significance. Last evaluated: 2022-08-22. Review status: criteria provided, single submitter. Criteria: Invitae Variant Classification Sherloc (09022015). Collection method: clinical testing. Allele origin: germline.
Comment: This sequence change replaces threonine, which is neutral and polar, with serine, which is neutral and polar, at codon 223 of the MCM3AP protein (p.Thr223Ser). This variant is not present in population databases (gnomAD no frequency). This variant has not been reported in the literature in individuals affected with MCM3AP-related conditions. Algorithms developed to predict the effect of missense changes on protein structure and function output the following: SIFT: "Tolerated"; PolyPhen-2: "Benign"; Align-GVGD: "Class C0". The serine amino acid residue is found in multiple mammalian species, which suggests that this missense change does not adversely affect protein function. In summary, the available evidence is currently insufficient to determine the role of this variant in disease. Therefore, it has been classified as a Variant of Uncertain Significance.